The following is an entry in ClinVar:

ClinVar aggregate classification (germline): Uncertain significance (1 of 4 stars; one submission).

Conditions:
Arrhythmogenic cardiomyopathy with wooly hair and keratoderma. Also called: Carvajal syndrome; PALMOPLANTAR KERATODERMA WITH LEFT VENTRICULAR CARDIOMYOPATHY AND WOOLLY HAIR; Dilated cardiomyopathy with woolly hair and keratoderma; Arrhythmogenic cardiomyopathy with woolly hair and keratoderma. Identifiers: Orphanet 65282, MedGen C1854063, MONDO:0011581, OMIM 605676.
Arrhythmogenic right ventricular dysplasia 8 (ARVD8). Also called: Arrhythmogenic Right Ventricular Dysplasia/Cardiomyopathy 8; ARRHYTHMOGENIC RIGHT VENTRICULAR DYSPLASIA, FAMILIAL, 8; ARRHYTHMOGENIC RIGHT VENTRICULAR CARDIOMYOPATHY 8. Identifiers: MedGen C1843896, MONDO:0011831, OMIM 607450.

Submission:

Labcorp Genetics (formerly Invitae), Labcorp
Classification: Uncertain significance for Arrhythmogenic cardiomyopathy with wooly hair and keratoderma; Arrhythmogenic right ventricular dysplasia 8. Last evaluated: 2025-10-21. Review status: criteria provided, single submitter. Criteria: Invitae Variant Classification Sherloc (09022015). Collection method: clinical testing. Allele origin: germline.
Comment: This sequence change replaces glutamic acid, which is acidic and polar, with valine, which is neutral and non-polar, at codon 1121 of the DSP protein (p.Glu1121Val). This variant is not present in population databases (gnomAD no frequency). This variant has not been reported in the literature in individuals affected with DSP-related conditions. An algorithm developed to predict the effect of missense changes on protein structure and function (PolyPhen-2) suggests that this variant is likely to be disruptive. In summary, the available evidence is currently insufficient to determine the role of this variant in disease. Therefore, it has been classified as a Variant of Uncertain Significance.

NM_004415.4(DSP):c.3362A>T (p.Glu1121Val)

Gene: DSP (desmoplakin; plus strand). Cytogenetic location: 6p24.3.
Variant type: single nucleotide variant.
Coding change: c.3362A>T on transcript NM_004415.4 (MANE Select); coding-DNA position 3362, A replaced by T.
Protein change: p.Glu1121Val; replaces glutamic acid 1121 with valine.
Molecular consequence: missense variant.
Genome position (GRCh38, 1-based): chr6:7,579,552, A>T. VCF-style: chr6-7579552-A-T. GRCh37 (hg19) VCF-style: chr6-7579785-A-T.
Other names: c.3362A>T, p.Glu1121Val (NM_001008844.3, NM_001319034.2); short protein forms E1121V.
Identifiers: ClinVar variation 4786487 (VCV004786487.1).